The following is an entry in ClinVar:

NM_173648.4(CCDC141):c.4402A>T (p.Ile1468Phe)

Gene: CCDC141 (coiled-coil domain containing 141; minus strand). Cytogenetic location: 2q31.2.
Variant type: single nucleotide variant.
Coding change: c.4402A>T on transcript NM_173648.4 (MANE Select); coding-DNA position 4402, A replaced by T.
Protein change: p.Ile1468Phe; replaces isoleucine 1468 with phenylalanine.
Molecular consequence: missense variant.
Genome position (GRCh38, 1-based): chr2:178,834,364, T>A on the plus strand (A>T on the coding strand, the complement: CCDC141 is on the minus strand). VCF-style: chr2-178834364-T-A. GRCh37 (hg19) VCF-style: chr2-179699091-T-A.
Other names: short protein forms I1468F.
Identifiers: ClinVar variation 3683343 (VCV003683343.2).

ClinVar aggregate classification (germline): Uncertain significance (1 of 4 stars; one submission).

Submission:

Labcorp Genetics (formerly Invitae), Labcorp
Classification: Uncertain significance. Last evaluated: 2024-03-08. Review status: criteria provided, single submitter. Criteria: Invitae Variant Classification Sherloc (09022015). Collection method: clinical testing. Allele origin: germline.
Comment: This sequence change replaces isoleucine, which is neutral and non-polar, with phenylalanine, which is neutral and non-polar, at codon 1468 of the CCDC141 protein (p.Ile1468Phe). This variant is not present in population databases (gnomAD no frequency). This variant has not been reported in the literature in individuals affected with CCDC141-related conditions. An algorithm developed to predict the effect of missense changes on protein structure and function (PolyPhen-2) suggests that this variant is likely to be disruptive. In summary, the available evidence is currently insufficient to determine the role of this variant in disease. Therefore, it has been classified as a Variant of Uncertain Significance.